The following is an entry in ClinVar:

ClinVar aggregate classification (germline): Uncertain significance (1 of 4 stars; one submission).

gnomAD v4.1: 11 of 1,579,212 alleles (0.0007%); highest among the groups gnomAD compares: Non-Finnish European, 0.00086%; no homozygotes.

Submission:

Labcorp Genetics (formerly Invitae), Labcorp
Classification: Uncertain significance. Last evaluated: 2023-11-10. Review status: criteria provided, single submitter. Criteria: Invitae Variant Classification Sherloc (09022015). Collection method: clinical testing. Allele origin: germline.
Comment: This sequence change replaces proline, which is neutral and non-polar, with glutamine, which is neutral and polar, at codon 708 of the ITGB4 protein (p.Pro708Gln). This variant is not present in population databases (gnomAD no frequency). This variant has not been reported in the literature in individuals affected with ITGB4-related conditions. Advanced modeling of protein sequence and biophysical properties (such as structural, functional, and spatial information, amino acid conservation, physicochemical variation, residue mobility, and thermodynamic stability) has been performed at Invitae for this missense variant, however the output from this modeling did not meet the statistical confidence thresholds required to predict the impact of this variant on ITGB4 protein function. In summary, the available evidence is currently insufficient to determine the role of this variant in disease. Therefore, it has been classified as a Variant of Uncertain Significance.

NM_000213.5(ITGB4):c.2123C>A (p.Pro708Gln)

Gene: ITGB4 (integrin subunit beta 4; plus strand). Cytogenetic location: 17q25.1.
Variant type: single nucleotide variant.
Coding change: c.2123C>A on transcript NM_000213.5 (MANE Select); coding-DNA position 2123, C replaced by A.
Protein change: p.Pro708Gln; replaces proline 708 with glutamine.
Molecular consequence: missense variant.
Genome position (GRCh38, 1-based): chr17:75,737,547, C>A. VCF-style: chr17-75737547-C-A. GRCh37 (hg19) VCF-style: chr17-73733628-C-A.
Other names: c.2123C>A, p.Pro708Gln (NM_001005619.2, NM_001005731.3, NM_001321123.2); short protein forms P708Q.
Identifiers: ClinVar variation 2786183 (VCV002786183.3), dbSNP rs146500584, ClinGen allele CA294067151.